The following is an entry in ClinVar:

ClinVar aggregate classification (germline): Uncertain significance (1 of 4 stars; one submission).

Conditions:
Neurodevelopmental disorder with central and peripheral motor dysfunction. Identifiers: MedGen C5193049, MONDO:0032698, OMIM 618356.

Submission:

3billion
Classification: Uncertain significance for Neurodevelopmental disorder with central and peripheral motor dysfunction. Last evaluated: 2023-12-07. Review status: criteria provided, single submitter. Criteria: ACMG Guidelines, 2015. Collection method: clinical testing. Allele origin: germline. Affected: yes.
Comment: The variant is not observed in the gnomAD v2.1.1 dataset. Predicted Consequence/Location: Missense variant In silico tool predictions suggest damaging effect of the variant on gene or gene product [REVEL: 0.71 (>=0.6, sensitivity 0.68 and specificity 0.92)]. Therefore, this variant is classified as VUS according to the recommendation of ACMG/AMP guideline.

NM_001005388.3(NFASC):c.2080C>A (p.Pro694Thr)

Gene: NFASC (neurofascin; plus strand). Cytogenetic location: 1q32.1.
Variant type: single nucleotide variant.
Coding change: c.2080C>A on transcript NM_001005388.3 (MANE Select); coding-DNA position 2080, C replaced by A.
Protein change: p.Pro694Thr; replaces proline 694 with threonine.
Molecular consequence: missense variant.
Genome position (GRCh38, 1-based): chr1:204,979,463, C>A. VCF-style: chr1-204979463-C-A. GRCh37 (hg19) VCF-style: chr1-204948591-C-A.
Other names: c.2113C>A, p.Pro705Thr (NM_001160331.2); c.2068C>A, p.Pro690Thr (NM_001160332.2, NM_001365986.1, NM_015090.4); c.2080C>A, p.Pro694Thr (NM_001378329.1); short protein forms P690T, P694T, P705T.
Identifiers: ClinVar variation 3775764 (VCV003775764.1).
Genomic context (GRCh38, chr1:204,979,463, plus strand): 5'-GTCTGGCATGACCATTCCAAGTACCCCGGCAGCGTTAACTCAGCCGTCCTCCGGCTGTCC[C>A]CGTATGTCAACTACCAGTTCCGTGTCATTGCCATCAACGAGGTTGGGAGCAGCCACCCCA-3'
Protein context (NP_001005388.2, residues 684-704): SVNSAVLRLS[Pro694Thr]YVNYQFRVIA